The following is an entry in ClinVar:

ClinVar aggregate classification (germline): Uncertain significance (1 of 4 stars; one submission).

Conditions:
Chédiak-Higashi syndrome (CHS). Also called: Chediak-Higashi Syndrome. Identifiers: Orphanet 167, MedGen C0007965, MONDO:0008963, OMIM 214500.

Allele frequency attached by ClinVar (database versions not stated): gnomAD exomes 0.00001.
gnomAD v4.1: 7 of 1,613,972 alleles (0.00043%); highest among the groups gnomAD compares: Admixed American, 0.0017%; no homozygotes.

Submission:

Labcorp Genetics (formerly Invitae), Labcorp
Classification: Uncertain significance for Chédiak-Higashi syndrome. Last evaluated: 2022-03-04. Review status: criteria provided, single submitter. Criteria: Invitae Variant Classification Sherloc (09022015). Collection method: clinical testing. Allele origin: germline.
Comment: This sequence change replaces phenylalanine, which is neutral and non-polar, with serine, which is neutral and polar, at codon 2400 of the LYST protein (p.Phe2400Ser). This variant is not present in population databases (gnomAD no frequency). This variant has not been reported in the literature in individuals affected with LYST-related conditions. Algorithms developed to predict the effect of missense changes on protein structure and function are either unavailable or do not agree on the potential impact of this missense change (SIFT: "Deleterious"; PolyPhen-2: "Probably Damaging"; Align-GVGD: "Class C0"). In summary, the available evidence is currently insufficient to determine the role of this variant in disease. Therefore, it has been classified as a Variant of Uncertain Significance.

NM_000081.4(LYST):c.7199T>C (p.Phe2400Ser)

Gene: LYST (lysosomal trafficking regulator; minus strand). Cytogenetic location: 1q42.3.
Variant type: single nucleotide variant.
Coding change: c.7199T>C on transcript NM_000081.4 (MANE Select); coding-DNA position 7199, T replaced by C.
Protein change: p.Phe2400Ser; replaces phenylalanine 2400 with serine.
Molecular consequence: missense variant.
Genome position (GRCh38, 1-based): chr1:235,755,508, A>G on the plus strand (T>C on the coding strand, the complement: LYST is on the minus strand). VCF-style: chr1-235755508-A-G. GRCh37 (hg19) VCF-style: chr1-235918808-A-G.
Other names: c.7199T>C, p.Phe2400Ser (NM_001301365.1); short protein forms F2400S.
Identifiers: ClinVar variation 1474513 (VCV001474513.3), dbSNP rs1050306168, ClinGen allele CA39614414.